The following is an entry in ClinVar:

NM_001267550.2(TTN):c.39301G>A (p.Glu13101Lys)

Gene: TTN (titin; minus strand). Cytogenetic location: 2q31.2.
Variant type: single nucleotide variant.
Coding change: c.39301G>A on transcript NM_001267550.2 (MANE Select); coding-DNA position 39301, G replaced by A.
Protein change: p.Glu13101Lys; replaces glutamic acid 13101 with lysine.
Molecular consequence: missense variant. On other transcripts: intron variant (3).
Genome position (GRCh38, 1-based): chr2:178,651,962, C>T on the plus strand (G>A on the coding strand, the complement: TTN is on the minus strand). VCF-style: chr2-178651962-C-T. GRCh37 (hg19) VCF-style: chr2-179516689-C-T.
Other names: p.E11594K:GAG>AAG; c.13283-9645G>A (NM_003319.4); c.13859-9645G>A (NM_133437.4); c.13658-9645G>A (NM_133432.3); c.34780G>A, p.Glu11594Lys (NM_001256850.1); c.31999G>A, p.Glu10667Lys (NM_133378.4); short protein forms E13101K, E10667K, E11594K.
Identifiers: ClinVar variation 46924 (VCV000046924.32), dbSNP rs201035457, ClinGen allele CA139530.

ClinVar aggregate classification (germline): Conflicting classifications of pathogenicity. Review status: criteria provided, conflicting classifications (1 of 4 stars). 12 submissions from 12 submitters: Uncertain significance (4); Likely benign (6). 2 of the submissions do not count toward it. Last evaluated 2025-04-09.

Conditions:
Autosomal recessive limb-girdle muscular dystrophy type 2J (LGMDR10). Also called: Limb-girdle muscular dystrophy, type 2J; MUSCULAR DYSTROPHY, LIMB-GIRDLE, AUTOSOMAL RECESSIVE 10. Identifiers: Orphanet 140922, MedGen C1837342, MONDO:0012127, OMIM 608807.
Dilated cardiomyopathy 1G (CMD1G). Identifiers: Orphanet 154, MedGen C1858763, MONDO:0011400, OMIM 604145.
Cardiomyopathy (CMYO). Also called: Cardiomyopathies. Identifiers: Orphanet 167848, MedGen C0878544, MONDO:0004994, HP:0001638. Inheritance: Various modes of inheritance.

Allele frequency attached by ClinVar (database versions not stated): 1000 Genomes Project 30x 0.00016; TOPMed 0.00018; 1000 Genomes Project 0.00020; gnomAD 0.00021; ExAC 0.00029; ESP Exome Variant Server 0.00034.
gnomAD v4.1: 645 of 1,610,180 alleles (0.04%); highest among the groups gnomAD compares: Non-Finnish European, 0.051%; no homozygotes.

Submissions (12):

Molecular Diagnostic Laboratory for Inherited Cardiovascular Disease, Montreal Heart Institute
Classification: Likely benign. Last evaluated: 2025-04-09. Review status: criteria provided, single submitter. Criteria: ACMG Guidelines, 2015. Collection method: clinical testing. Allele origin: germline. Affected: no.
Comment: BS1;BP1

Women's Health and Genetics/Laboratory Corporation of America, LabCorp
Classification: Likely benign. Last evaluated: 2024-12-09. Review status: criteria provided, single submitter. Criteria: LabCorp Variant Classification Summary - May 2015. Collection method: clinical testing. Allele origin: germline.
Comment: Variant summary: TTN c.31999G>A (p.Glu10667Lys) results in a conservative amino acid change located in the I-band region of the encoded protein sequence. Four of four in-silico tools predict a benign effect of the variant on protein function. The variant allele was found at a frequency of 0.00027 in 241906 control chromosomes, predominantly at a frequency of 0.00045 within the Non-Finnish European subpopulation in the gnomAD database. The observed variant frequency within Non-Finnish European control individuals in the gnomAD database is approximately 1.2 fold of the estimated maximal expected allele frequency for a pathogenic variant in TTN causing Dilated Cardiomyopathy phenotype (0.00039). c.31999G>A has been reported in the literature in individuals affected with Dilated Cardiomyopathy (Pugh_2014) and Hypertrophic Cardiomyopathy (Lopes_2013) . These reports do not provide unequivocal conclusions about association of the variant with Dilated Cardiomyopathy. Co-occurrence with another pathogenic variant has been reported (MYH7 c.2722C>G, p.Leu908Val, internal testing), providing supporting evidence for a benign role. To our knowledge, no experimental evidence demonstrating an impact on protein function has been reported. The following publications have been ascertained in the context of this evaluation (PMID: 23396983, 24503780). ClinVar contains an entry for this variant (Variation ID: 46924). Based on the evidence outlined above, the variant was classified as likely benign.

Blueprint Genetics
Classification: Likely benign. Last evaluated: 2024-08-26. Review status: criteria provided, single submitter. Criteria: ACMG Guidelines, 2015. Collection method: clinical testing. Allele origin: germline.

Revvity Omics, Revvity
Classification: Uncertain significance. Last evaluated: 2024-04-09. Review status: criteria provided, single submitter. Criteria: ACMG Guidelines, 2015. Collection method: clinical testing. Allele origin: germline.

CHEO Genetics Diagnostic Laboratory, Children's Hospital of Eastern Ontario
Classification: Likely benign for Cardiomyopathy. Last evaluated: 2023-03-03. Review status: criteria provided, single submitter. Criteria: ACMG Guidelines, 2015. Collection method: clinical testing. Allele origin: germline.

Laboratory for Molecular Medicine, Mass General Brigham Personalized Medicine
Classification: Likely benign. Last evaluated: 2021-03-30. Review status: criteria provided, single submitter. Criteria: LMM Criteria. Collection method: clinical testing. Allele origin: germline. Observed: 3 variant alleles.
Comment: The p.Glu10667Lys variant in TTN is classified as likely benign because it has been identified in 0.04% (55/124348) of European chromosomes by gnomAD. ACMG/AMP Criteria applied: BS1.

GeneDx
Classification: Likely benign. Last evaluated: 2021-03-29. Review status: criteria provided, single submitter. Criteria: GeneDx Variant Classification Process June 2021. Collection method: clinical testing. Allele origin: germline. Affected: yes.
Comment: This variant is associated with the following publications: (PMID: 23396983, 24503780)

ARUP Laboratories, Molecular Genetics and Genomics, ARUP Laboratories
Classification: Uncertain significance. Last evaluated: 2018-05-14. Review status: criteria provided, single submitter. Criteria: ARUP Molecular Germline Variant Investigation Process. Collection method: clinical testing. Allele origin: germline.
Comment: The TTN: c.31999G>A; p.Glu10667Lys variant is rare in the general population (<1% allele frequency in the Genome Aggregation Database) and have not been reported in the medical literature in association with dilated cardiomyopathy (DCM) or other TTN-related disease. The clinical relevance of rare missense variants in this gene, which are identified on average once per individual sequenced in affected populations (Herman 2012), is not well understood. While the clinical significance of such variants is considered uncertain, evidence suggests that the vast majority of missense variants do not contribute to the clinical outcome of DCM (Begay 2015). Given the available evidence, the clinical significance of the p.Arg13618Leu and p.Ala7671Gly variants cannot be determined with certainty.

Labcorp Genetics (formerly Invitae), Labcorp
Classification: Uncertain significance for Dilated cardiomyopathy 1G; Autosomal recessive limb-girdle muscular dystrophy type 2J. Last evaluated: 2017-12-19. Review status: criteria provided, single submitter. Criteria: Invitae Variant Classification Sherloc (09022015). Collection method: clinical testing. Allele origin: germline.

Eurofins Ntd Llc (ga)
Classification: Uncertain significance. Last evaluated: 2017-09-01. Review status: criteria provided, single submitter. Criteria: EGL Classification Definitions 2015. Collection method: clinical testing. Allele origin: germline. Observed: 6 variant alleles, 5 heterozygotes.

Clinical Genetics DNA and cytogenetics Diagnostics Lab, Erasmus MC, Erasmus Medical Center
Classification: Uncertain significance. Review status: no assertion criteria provided. Collection method: clinical testing. Allele origin: germline. Affected: yes. Study: VKGL Data-share Consensus. Not counted in ClinVar's aggregate classification.

Clinical Genetics, Academic Medical Center
Classification: Uncertain significance. Review status: no assertion criteria provided. Collection method: clinical testing. Allele origin: germline. Affected: yes. Study: VKGL Data-share Consensus. Not counted in ClinVar's aggregate classification.

Literature cited by the submitters: PubMed 23396983 (cited by Women's Health and Genetics/Laboratory Corporation of America, LabCorp); PubMed 24503780 (cited by Women's Health and Genetics/Laboratory Corporation of America, LabCorp).